The following is an entry in ClinVar:

NM_001005242.3(PKP2):c.2455A>G (p.Lys819Glu)

Gene: PKP2 (plakophilin 2; minus strand). Cytogenetic location: 12p11.21.
Variant type: single nucleotide variant.
Coding change: c.2455A>G on transcript NM_001005242.3 (MANE Select); coding-DNA position 2455, A replaced by G.
Protein change: p.Lys819Glu; replaces lysine 819 with glutamic acid.
Molecular consequence: missense variant.
Genome position (GRCh38, 1-based): chr12:32,792,483, T>C on the plus strand (A>G on the coding strand, the complement: PKP2 is on the minus strand). VCF-style: chr12-32792483-T-C. GRCh37 (hg19) VCF-style: chr12-32945417-T-C.
Other names: c.2587A>G, p.Lys863Glu (NM_004572.4); short protein forms K819E, K863E.
Identifiers: ClinVar variation 882411 (VCV000882411.5), dbSNP rs1235732912, ClinGen allele CA384356794.

ClinVar aggregate classification (germline): Uncertain significance. Review status: criteria provided, multiple submitters, no conflicts (2 of 4 stars). 2 submissions from 2 submitters: Uncertain significance (2). Last evaluated 2025-08-12.

Conditions:
Cardiovascular phenotype. Identifiers: MedGen CN230736.
Arrhythmogenic right ventricular dysplasia 9 (ARVD9). Also called: ARRHYTHMOGENIC RIGHT VENTRICULAR DYSPLASIA, FAMILIAL, 9; Arrhythmogenic Right Ventricular Dysplasia/Cardiomyopathy 9. Identifiers: MedGen C1836906, MONDO:0012180, OMIM 609040.

Allele frequency attached by ClinVar (database versions not stated): TOPMed below 0.00001; gnomAD 0.00001.
gnomAD v4.1: 1 of 1,613,502 alleles (0.000062%); highest among the groups gnomAD compares: Non-Finnish European, 0.000085%; no homozygotes.

Submissions (2):

Ambry Genetics
Classification: Uncertain significance for Cardiovascular phenotype. Last evaluated: 2025-08-12. Review status: criteria provided, single submitter. Criteria: Ambry Variant Classification Scheme 2023. Collection method: clinical testing. Allele origin: germline.
Comment: The p.K863E variant (also known as c.2587A>G), located in coding exon 14 of the PKP2 gene, results from an A to G substitution at nucleotide position 2587. The lysine at codon 863 is replaced by glutamic acid, an amino acid with similar properties. This amino acid position is conserved. In addition, the in silico prediction for this alteration is inconclusive. Based on the available evidence, the clinical significance of this variant remains unclear.

Illumina Laboratory Services, Illumina
Classification: Uncertain significance for Arrhythmogenic right ventricular dysplasia 9. Last evaluated: 2018-01-13. Review status: criteria provided, single submitter. Criteria: ICSL Variant Classification Criteria 13 December 2019. Collection method: clinical testing. Allele origin: germline.